The following is an entry in ClinVar:

ClinVar aggregate classification (germline): Uncertain significance (1 of 4 stars; one submission).

Conditions:
Autosomal recessive nonsyndromic hearing loss 77. Identifiers: Orphanet 90636, MedGen C2746083, MONDO:0013119, OMIM 613079.

Submission:

Myriad Genetics, Inc.
Classification: Uncertain significance for Autosomal recessive nonsyndromic hearing loss 77. Last evaluated: 2026-08-25. Review status: criteria provided, single submitter. Criteria: Myriad Autosomal Dominant, Autosomal Recessive and X-Linked Classification Criteria (2023). Collection method: clinical testing. Allele origin: unknown.
Comment: NM_144612.6(LOXHD1):c.5974_5976delTCT(S1992del) is an in-frame deletion classified as a variant of uncertain significance in the context of nonsyndromic hearing loss, LOXHD1-related. S1992del has not been observed in cases with relevant disease. Relevant functional assessments of this variant are not available in the literature. S1992del has not been observed in referenced population frequency databases. In summary, there is insufficient evidence to classify NM_144612.6(LOXHD1):c.5974_5976delTCT(S1992del) as pathogenic or benign. Please note: this variant was assessed in the context of healthy population screening.

NM_001384474.1(LOXHD1):c.6157TCT[1] (p.Ser2054del)

Gene: LOXHD1 (lipoxygenase homology PLAT domains 1; minus strand). Cytogenetic location: 18q21.1.
Variant type: Microsatellite.
Coding change: c.6157TCT[1] on transcript NM_001384474.1 (MANE Select); one copy of the 3-base unit TCT starting at c.6157; the reference has two copies in a row; one copy, 3 bases deleted.
Protein change: p.Ser2054del; deletes serine 2054.
Molecular consequence: inframe deletion.
Genome position (GRCh38, 1-based): chr18:46,485,039-46,485,041, AGA deleted on the plus strand (TCT on the coding strand, the reverse complement: LOXHD1 is on the minus strand); deleting any 3 consecutive bases within chr18:46,485,039-46,485,045 gives the same sequence; the position shown is the placement nearest the transcript's 3' end. VCF-style (leftmost placement, unchanged base first): chr18-46485038-TAGA-T. GRCh37 (hg19) VCF-style: chr18-44065001-TAGA-T.
Other names: c.2824TCT[1], p.Ser943del (NM_001145472.3); c.874TCT[1], p.Ser293del (NM_001145473.3, NM_001173129.2); c.2536TCT[1], p.Ser847del (NM_001308013.2); c.5971TCT[1], p.Ser1992del (NM_144612.7); short protein forms S847del, S1992del, S293del, S2054del, S943del.
Identifiers: ClinVar variation 5003666 (VCV005003666.1).